The following is an entry in ClinVar:

NM_018451.5(CPAP):c.466A>C (p.Lys156Gln)

Gene: CPAP (centrosome assembly and centriole elongation protein; minus strand). Cytogenetic location: 13q12.13.
Variant type: single nucleotide variant.
Coding change: c.466A>C on transcript NM_018451.5 (MANE Select); coding-DNA position 466, A replaced by C.
Protein change: p.Lys156Gln; replaces lysine 156 with glutamine.
Molecular consequence: missense variant. On other transcripts: non-coding transcript variant (2).
Genome position (GRCh38, 1-based): chr13:24,912,048, T>G on the plus strand (A>C on the coding strand, the complement: CPAP is on the minus strand). VCF-style: chr13-24912048-T-G. GRCh37 (hg19) VCF-style: chr13-25486186-T-G.
Other names: short protein forms K156Q.
Identifiers: ClinVar variation 196489 (VCV000196489.29), dbSNP rs794727515, ClinGen allele CA243456.

ClinVar aggregate classification (germline): Uncertain significance. Review status: criteria provided, multiple submitters, no conflicts (2 of 4 stars). 2 submissions from 2 submitters: Uncertain significance (2). Last evaluated 2023-03-01.

Allele frequency attached by ClinVar (database versions not stated): gnomAD exomes 0.00002; gnomAD 0.00005 and 0.00006; TOPMed 0.00005.
gnomAD v4.1: 32 of 1,613,710 alleles (0.002%); highest among the groups gnomAD compares: Middle Eastern, 0.016%; no homozygotes.

Submissions (2):

CeGaT Center for Human Genetics Tuebingen
Classification: Uncertain significance. Last evaluated: 2023-03-01. Review status: criteria provided, single submitter. Criteria: CeGaT Center For Human Genetics Tuebingen Variant Classification Criteria Version 2. Collection method: clinical testing. Allele origin: germline. Affected: yes. Observed: 1 variant allele.
Comment: CPAP: PM2

Eurofins Ntd Llc (ga)
Classification: Uncertain significance. Last evaluated: 2015-03-13. Review status: criteria provided, single submitter. Criteria: EGL Classification Definitions 2015. Collection method: clinical testing. Allele origin: germline. Observed: 1 variant allele, 1 heterozygote.